The following is an entry in ClinVar:

NM_024675.4(PALB2):c.1619dup (p.Asn540fs)

Gene: PALB2 (partner and localizer of BRCA2; minus strand). Cytogenetic location: 16p12.2.
Variant type: Duplication.
Coding change: c.1619dup on transcript NM_024675.4 (MANE Select); coding-DNA position 1619, one base duplicated (A; older notation c.1619dupA).
Protein change: p.Asn540fs; shifts the reading frame from asparagine 540.
Molecular consequence: frameshift variant.
Genome position (GRCh38, 1-based): chr16:23,634,927, T duplicated on the plus strand (A on the coding strand, the reverse complement: PALB2 is on the minus strand); the first of 2 consecutive T bases (chr16:23,634,927-23,634,928); duplicating either gives the same sequence. VCF-style (leftmost placement, unchanged base first): chr16-23634926-G-GT. GRCh37 (hg19) VCF-style: chr16-23646247-G-GT.
Other names: c.1619dupA (NM_024675.3); short protein forms N540fs.
Identifiers: ClinVar variation 492166 (VCV000492166.20), dbSNP rs1555461192, ClinGen allele CA658683935.

ClinVar aggregate classification (germline): Pathogenic. Review status: criteria provided, multiple submitters, no conflicts (2 of 4 stars). 4 submissions from 4 submitters: Pathogenic (4). Last evaluated 2026-08-07.

Conditions:
Hereditary cancer-predisposing syndrome. Also called: Hereditary Cancer Syndrome; Tumor predisposition; Hereditary neoplastic syndrome; Neoplastic Syndromes, Hereditary. Identifiers: Orphanet 140162, MedGen C0027672, MeSH D009386, MONDO:0015356.
Familial cancer of breast. Also called: Hereditary breast cancer; hereditary breast carcinoma; BREAST CANCER, FAMILIAL. Identifiers: Orphanet 227535, MedGen C0346153, MONDO:0016419, OMIM 114480. Disease mechanism: loss of function.

Submissions (4):

Ambry Genetics
Classification: Pathogenic for Hereditary cancer-predisposing syndrome. Last evaluated: 2026-08-07. Review status: criteria provided, single submitter. Criteria: Ambry Variant Classification Scheme 2023. Collection method: clinical testing. Allele origin: germline.
Comment: The c.1619dupA pathogenic mutation, located in coding exon 4 of the PALB2 gene, results from a duplication of A at nucleotide position 1619, causing a translational frameshift with a predicted alternate stop codon (p.N540Kfs*38). This variant is considered to be rare based on population cohorts in the Genome Aggregation Database (gnomAD). This alteration is expected to result in loss of function by premature protein truncation or nonsense-mediated mRNA decay. As such, this alteration is interpreted as a disease-causing mutation.

Labcorp Genetics (formerly Invitae), Labcorp
Classification: Pathogenic for Familial cancer of breast. Last evaluated: 2024-03-12. Review status: criteria provided, single submitter. Criteria: Invitae Variant Classification Sherloc (09022015). Collection method: clinical testing. Allele origin: germline.
Comment: This sequence change creates a premature translational stop signal (p.Asn540Lysfs*38) in the PALB2 gene. It is expected to result in an absent or disrupted protein product. Loss-of-function variants in PALB2 are known to be pathogenic (PMID: 17200668, 17200671, 17200672, 24136930, 25099575). This variant is not present in population databases (gnomAD no frequency). This variant has not been reported in the literature in individuals affected with PALB2-related conditions. ClinVar contains an entry for this variant (Variation ID: 492166). For these reasons, this variant has been classified as Pathogenic.

Myriad Genetics, Inc.
Classification: Pathogenic for Familial cancer of breast. Last evaluated: 2023-09-11. Review status: criteria provided, single submitter. Criteria: Myriad Autosomal Dominant, Autosomal Recessive and X-Linked Classification Criteria (2023). Collection method: clinical testing. Allele origin: unknown.
Comment: This variant is considered pathogenic. This variant creates a frameshift predicted to result in premature protein truncation.

Color Diagnostics, LLC DBA Color Health
Classification: Pathogenic for Hereditary cancer-predisposing syndrome. Last evaluated: 2022-03-14. Review status: criteria provided, single submitter. Criteria: ACMG Guidelines, 2015. Collection method: clinical testing. Allele origin: germline.
Comment: This variant inserts 1 nucleotide in exon 4 of the PALB2 gene, creating a frameshift and premature translation stop signal. This variant is expected to result in an absent or non-functional protein product. To our knowledge, this variant has not been reported in individuals affected with hereditary cancer in the literature. This variant has not been identified in the general population by the Genome Aggregation Database (gnomAD). Loss of PALB2 function is a known mechanism of disease. Based on the available evidence, this variant is classified as Pathogenic.

Literature cited by the submitters: PubMed 17200668 (cited by Labcorp Genetics (formerly Invitae), Labcorp); PubMed 17200671 (cited by Labcorp Genetics (formerly Invitae), Labcorp); PubMed 17200672 (cited by Labcorp Genetics (formerly Invitae), Labcorp); PubMed 24136930 (cited by Labcorp Genetics (formerly Invitae), Labcorp); PubMed 25099575 (cited by Labcorp Genetics (formerly Invitae), Labcorp).